The following is an entry in ClinVar:

ClinVar aggregate classification (germline): Uncertain significance (1 of 4 stars; one submission).

Submission:

GeneDx
Classification: Uncertain significance. Last evaluated: 2019-08-29. Review status: criteria provided, single submitter. Criteria: GeneDx Variant Classification Process June 2021. Collection method: clinical testing. Allele origin: germline. Affected: yes.
Comment: Not observed in large population cohorts (Lek et al., 2016); In silico analysis, which includes protein predictors and evolutionary conservation, supports that this variant does not alter protein structure/function; Has not been previously published as pathogenic or benign to our knowledge

NM_000937.5(POLR2A):c.4120G>T (p.Val1374Leu)

Genes: POLR2A (RNA polymerase II subunit A; plus strand), LOC126862482 (CDK7 strongly-dependent group 2 enhancer GRCh37_chr17:7414586-7415785; plus strand). Cytogenetic location: 17p13.1.
Variant type: single nucleotide variant.
Coding change: c.4120G>T on transcript NM_000937.5 (MANE Select); coding-DNA position 4120, G replaced by T.
Protein change: p.Val1374Leu; replaces valine 1374 with leucine.
Molecular consequence: missense variant.
Genome position (GRCh38, 1-based): chr17:7,511,829, G>T. VCF-style: chr17-7511829-G-T. GRCh37 (hg19) VCF-style: chr17-7415148-G-T.
Other names: short protein forms V1374L.
Identifiers: ClinVar variation 1310172 (VCV001310172.2), dbSNP rs1346082046, ClinGen allele CA397822222.